The following is an entry in ClinVar:

NM_007194.4(CHEK2):c.1502A>G (p.Glu501Gly)

Gene: CHEK2 (checkpoint kinase 2; minus strand). Cytogenetic location: 22q12.1.
Variant type: single nucleotide variant.
Coding change: c.1502A>G on transcript NM_007194.4 (MANE Select); coding-DNA position 1502, A replaced by G.
Protein change: p.Glu501Gly; replaces glutamic acid 501 with glycine.
Molecular consequence: missense variant.
Genome position (GRCh38, 1-based): chr22:28,689,175, T>C on the plus strand (A>G on the coding strand, the complement: CHEK2 is on the minus strand). VCF-style: chr22-28689175-T-C. GRCh37 (hg19) VCF-style: chr22-29085163-T-C.
Other names: c.1631A>G, p.Glu544Gly (NM_001005735.3); c.839A>G, p.Glu280Gly (NM_001257387.3); c.1301A>G, p.Glu434Gly (NM_001349956.3); c.1415A>G, p.Glu472Gly (NM_145862.3); short protein forms E544G, E280G, E472G, E501G, E434G.
Identifiers: ClinVar variation 2897341 (VCV002897341.3), dbSNP rs1601702134, ClinGen allele CA411092423.

ClinVar aggregate classification (germline): Uncertain significance (1 of 4 stars; one submission).

Conditions:
Familial cancer of breast. Also called: BREAST CANCER, FAMILIAL; Hereditary breast cancer; hereditary breast carcinoma. Identifiers: Orphanet 227535, MedGen C0346153, MONDO:0016419, OMIM 114480. Disease mechanism: loss of function.

Submission:

Labcorp Genetics (formerly Invitae), Labcorp
Classification: Uncertain significance for Familial cancer of breast. Last evaluated: 2023-03-27. Review status: criteria provided, single submitter. Criteria: Invitae Variant Classification Sherloc (09022015). Collection method: clinical testing. Allele origin: germline.
Comment: In summary, the available evidence is currently insufficient to determine the role of this variant in disease. Therefore, it has been classified as a Variant of Uncertain Significance. An algorithm developed to predict the effect of missense changes on protein structure and function (PolyPhen-2) suggests that this variant is likely to be tolerated. This variant has not been reported in the literature in individuals affected with CHEK2-related conditions. This variant is not present in population databases (gnomAD no frequency). This sequence change replaces glutamic acid, which is acidic and polar, with glycine, which is neutral and non-polar, at codon 501 of the CHEK2 protein (p.Glu501Gly).